The following is an entry in ClinVar:

ClinVar aggregate classification (germline): Pathogenic/Likely pathogenic. Review status: criteria provided, multiple submitters, no conflicts (2 of 4 stars). 7 submissions from 7 submitters: Pathogenic (1); Likely pathogenic (4). 2 of the submissions do not count toward it. Last evaluated 2025-10-14.

Conditions:
Diastrophic dysplasia (DTD). Also called: Diastrophic dwarfism. Identifiers: Orphanet 628, MedGen C0220726, MONDO:0009107, OMIM 222600.
Multiple epiphyseal dysplasia type 4 (EDM4). Also called: MULTIPLE EPIPHYSEAL DYSPLASIA WITH BILAYERED PATELLAE; MULTIPLE EPIPHYSEAL DYSPLASIA WITH CLUBFOOT; MULTIPLE EPIPHYSEAL DYSPLASIA, AUTOSOMAL RECESSIVE; SLC26A2-Related Multiple Epiphyseal Dysplasia; Multiple Epiphyseal Dysplasia, Recessive. Identifiers: Orphanet 93307, MedGen C1847593, MONDO:0009189, OMIM 226900.
Atelosteogenesis type II (AO2). Also called: NEONATAL OSSEOUS DYSPLASIA I; SLC26A2-Related Atelosteogenesis; Neonatal osseous dysplasia 1. Identifiers: Orphanet 56304, MedGen C1850554, MONDO:0009727, OMIM 256050.
Achondrogenesis, type IB (ACG1B). Also called: Achondrogenesis Type 1B. Identifiers: Orphanet 932, Orphanet 93298, MedGen C0265274, MONDO:0010966, OMIM 600972.

Allele frequency attached by ClinVar (database versions not stated): TOPMed 0.00003; gnomAD exomes 0.00005 and 0.00004; gnomAD 0.00003; ExAC 0.00006.
gnomAD v4.1: 75 of 1,610,836 alleles (0.0047%); highest among the groups gnomAD compares: Non-Finnish European, 0.0057%; no homozygotes.

Submissions (7):

Labcorp Genetics (formerly Invitae), Labcorp
Classification: Pathogenic for Atelosteogenesis type II; Multiple epiphyseal dysplasia type 4; Achondrogenesis, type IB; Diastrophic dysplasia. Last evaluated: 2025-10-14. Review status: criteria provided, single submitter. Criteria: Invitae Variant Classification Sherloc (09022015). Collection method: clinical testing. Allele origin: germline.
Comment: This sequence change replaces alanine, which is neutral and non-polar, with valine, which is neutral and non-polar, at codon 715 of the SLC26A2 protein (p.Ala715Val). This variant is present in population databases (rs104893918, gnomAD 0.01%). This missense change has been observed in individual(s) with SLC26A2-related skeletal dysplasia (PMID: 21077204). In at least one individual the data is consistent with being in trans (on the opposite chromosome) from a pathogenic variant. It has also been observed to segregate with disease in related individuals. ClinVar contains an entry for this variant (Variation ID: 4091). Invitae Evidence Modeling of protein sequence and biophysical properties (such as structural, functional, and spatial information, amino acid conservation, physicochemical variation, residue mobility, and thermodynamic stability) indicates that this missense variant is expected to disrupt SLC26A2 protein function with a positive predictive value of 80%. Experimental studies are conflicting or provide insufficient evidence to determine the effect of this variant on SLC26A2 function (PMID: 11448940, 15294877). For these reasons, this variant has been classified as Pathogenic.

Natera, Inc.
Classification: Likely pathogenic for Achondrogenesis type IB. Last evaluated: 2025-05-12. Review status: criteria provided, single submitter. Criteria: Natera Variant Classification Schema (03/2026). Collection method: clinical testing. Allele origin: germline.
Comment: The c.2144C>T variant in SLC26A2 is a missense variant predicted to cause substitution of alanine to valine at amino acid 715. This variant is rare in the general population with a frequency below the threshold expected for the associated phenotype(s). This variant has been observed in one or more individuals affected with the associated recessive disease, as either homozygous or compound heterozygous with a second variant (PMID: 21922596). Additionally, this variant has been observed to segregate in affected family members (PMID: 21077204). Computational prediction algorithms indicate this variant is likely to affect gene or protein function. Given the available evidence, this variant is classified as Likely Pathogenic.

Fulgent Genetics
Classification: Likely pathogenic for Diastrophic dysplasia; Multiple epiphyseal dysplasia type 4; Atelosteogenesis type II; Achondrogenesis, type IB. Last evaluated: 2024-05-15. Review status: criteria provided, single submitter. Criteria: ACMG Guidelines, 2015. Collection method: clinical testing. Allele origin: germline.

Baylor Genetics
Classification: Likely pathogenic for Achondrogenesis, type IB. Last evaluated: 2024-03-15. Review status: criteria provided, single submitter. Criteria: ACMG Guidelines, 2015. Collection method: clinical testing. Allele origin: unknown.

Juno Genomics, Hangzhou Juno Genomics, Inc
Classification: Likely pathogenic for Achondrogenesis, type IB; Atelosteogenesis type II; Diastrophic dysplasia; Multiple epiphyseal dysplasia type 4. Review status: criteria provided, single submitter. Criteria: ACMG Guidelines, 2015. Collection method: clinical testing. Allele origin: germline.
Comment: Absent from controls (or at extremely low frequency if recessive) in Genome Aggregation Database.;Multiple lines of computational evidence support a deleterious effect on the gene or gene product.;For recessive disorders, detected in trans with a pathogenic variant.;Co-segregation with disease in multiple affected family members.;Patient's phenotype or family history is highly specific for a disease with a single genetic etiology.

Counsyl
Classification: Uncertain significance for Multiple epiphyseal dysplasia type 4. Last evaluated: 2017-11-13. Review status: no assertion criteria provided. Collection method: clinical testing. Allele origin: unknown. Not counted in ClinVar's aggregate classification.

OMIM
Classification: Pathogenic for ATELOSTEOGENESIS, TYPE II. Last evaluated: 1996-02-01. Review status: no assertion criteria provided. Collection method: literature only. Allele origin: germline. Not counted in ClinVar's aggregate classification.

Literature cited by the submitters: PubMed 21077204 (cited by 3 submitters); PubMed 11448940 (cited by Labcorp Genetics (formerly Invitae), Labcorp and Counsyl); PubMed 15294877 (cited by Labcorp Genetics (formerly Invitae), Labcorp and Counsyl); PubMed 21922596 (cited by Natera, Inc. and Counsyl); PubMed 8571951 (cited by Counsyl and OMIM).

NM_000112.4(SLC26A2):c.2144C>T (p.Ala715Val)

Gene: SLC26A2 (solute carrier family 26 member 2; plus strand). Cytogenetic location: 5q32.
Variant type: single nucleotide variant.
Coding change: c.2144C>T on transcript NM_000112.4 (MANE Select); coding-DNA position 2144, C replaced by T.
Protein change: p.Ala715Val; replaces alanine 715 with valine.
Molecular consequence: missense variant.
Genome position (GRCh38, 1-based): chr5:149,981,737, C>T. VCF-style: chr5-149981737-C-T. GRCh37 (hg19) VCF-style: chr5-149361300-C-T.
Other names: short protein forms A715V.
Identifiers: ClinVar variation 4091 (VCV000004091.17), dbSNP rs104893918, ClinGen allele CA252994.